The following is an entry in ClinVar:

NM_000090.4(COL3A1):c.3919C>T (p.Pro1307Ser)

Gene: COL3A1 (collagen type III alpha 1 chain; plus strand). Cytogenetic location: 2q32.2.
Variant type: single nucleotide variant.
Coding change: c.3919C>T on transcript NM_000090.4 (MANE Select); coding-DNA position 3919, C replaced by T.
Protein change: p.Pro1307Ser; replaces proline 1307 with serine.
Molecular consequence: missense variant.
Genome position (GRCh38, 1-based): chr2:189,010,273, C>T. VCF-style: chr2-189010273-C-T. GRCh37 (hg19) VCF-style: chr2-189874999-C-T.
Other names: short protein forms P1307S.
Identifiers: ClinVar variation 4800335 (VCV004800335.1).

ClinVar aggregate classification (germline): Uncertain significance (1 of 4 stars; one submission).

Conditions:
Ehlers-Danlos syndrome, type 4 (EDSVASC). Also called: Ehlers-Danlos syndrome vascular type; Ehlers Danlos syndrome, ecchymotic type; Ehlers Danlos syndrome, arterial type; Ehlers Danlos syndrome, Sack-Barabas type; Ehlers-Danlos Syndrome Type IV. Identifiers: Orphanet 286, MedGen C0268338, MONDO:0017314, OMIM 130050.

Submission:

Labcorp Genetics (formerly Invitae), Labcorp
Classification: Uncertain significance for Ehlers-Danlos syndrome, type 4. Last evaluated: 2026-01-27. Review status: criteria provided, single submitter. Criteria: Invitae Variant Classification Sherloc (09022015). Collection method: clinical testing. Allele origin: germline.
Comment: This sequence change replaces proline, which is neutral and non-polar, with serine, which is neutral and polar, at codon 1307 of the COL3A1 protein (p.Pro1307Ser). This variant is not present in population databases (gnomAD no frequency). This variant has not been reported in the literature in individuals affected with COL3A1-related conditions. Invitae Evidence Modeling of protein sequence and biophysical properties (such as structural, functional, and spatial information, amino acid conservation, physicochemical variation, residue mobility, and thermodynamic stability) indicates that this missense variant is not expected to disrupt COL3A1 protein function with a negative predictive value of 95%. In summary, the available evidence is currently insufficient to determine the role of this variant in disease. Therefore, it has been classified as a Variant of Uncertain Significance.